The following is an entry in ClinVar:

ClinVar aggregate classification (germline): Uncertain significance. Review status: criteria provided, multiple submitters, no conflicts (2 of 4 stars). 2 submissions from 2 submitters: Uncertain significance (2). Last evaluated 2025-10-09.

Conditions:
Inborn genetic diseases. Identifiers: MedGen C0950123, MeSH D030342.
Acute myeloid leukemia (AML). Also called: Acute myeloid leukemia, adult; AML adult; Acute non-lymphocytic leukemia; Acute granulocytic leukemia; Leukemia, acute myeloid, somatic; Leukemia, acute myelogenous, somatic. Identifiers: Orphanet 519, MedGen C0023467, MeSH D015470, MONDO:0018874, OMIM 601626, HP:0004808. Disease mechanism: Constitutively activated FLT3.

Submissions (2):

Ambry Genetics
Classification: Uncertain significance for Inborn genetic diseases. Last evaluated: 2025-10-09. Review status: criteria provided, single submitter. Criteria: Ambry Variant Classification Scheme 2023. Collection method: clinical testing. Allele origin: germline.
Comment: The p.P184L variant (also known as c.551C>T), located in coding exon 1 of the CEBPA gene, results from a C to T substitution at nucleotide position 551. The proline at codon 184 is replaced by leucine, an amino acid with similar properties. This amino acid position is conserved. In addition, this alteration is predicted to be tolerated by in silico analysis. Based on the available evidence, the clinical significance of this variant remains unclear.

Labcorp Genetics (formerly Invitae), Labcorp
Classification: Uncertain significance for Acute myeloid leukemia. Last evaluated: 2023-04-23. Review status: criteria provided, single submitter. Criteria: Invitae Variant Classification Sherloc (09022015). Collection method: clinical testing. Allele origin: germline.
Comment: This sequence change replaces proline, which is neutral and non-polar, with leucine, which is neutral and non-polar, at codon 184 of the CEBPA protein (p.Pro184Leu). This variant is not present in population databases (gnomAD no frequency). This variant has not been reported in the literature in individuals affected with CEBPA-related conditions. An algorithm developed to predict the effect of missense changes on protein structure and function (PolyPhen-2) suggests that this variant is likely to be tolerated. In summary, the available evidence is currently insufficient to determine the role of this variant in disease. Therefore, it has been classified as a Variant of Uncertain Significance.

NM_004364.5(CEBPA):c.551C>T (p.Pro184Leu)

Gene: CEBPA (CCAAT enhancer binding protein alpha; minus strand). Cytogenetic location: 19q13.11.
Variant type: single nucleotide variant.
Coding change: c.551C>T on transcript NM_004364.5 (MANE Select); coding-DNA position 551, C replaced by T.
Protein change: p.Pro184Leu; replaces proline 184 with leucine.
Molecular consequence: missense variant.
Genome position (GRCh38, 1-based): chr19:33,301,864, G>A on the plus strand (C>T on the coding strand, the complement: CEBPA is on the minus strand). VCF-style: chr19-33301864-G-A. GRCh37 (hg19) VCF-style: chr19-33792770-G-A.
Other names: c.194C>T, p.Pro65Leu (NM_001285829.2); c.656C>T, p.Pro219Leu (NM_001287424.2); c.509C>T, p.Pro170Leu (NM_001287435.2); short protein forms P184L, P170L, P65L, P219L.
Identifiers: ClinVar variation 2989768 (VCV002989768.4), dbSNP rs1457318927, ClinGen allele CA405274710.